The following is an entry in ClinVar:

NM_001360.3(DHCR7):c.1084C>G (p.Arg362Gly)

Gene: DHCR7 (7-dehydrocholesterol reductase; minus strand). Cytogenetic location: 11q13.4.
Variant type: single nucleotide variant.
Coding change: c.1084C>G on transcript NM_001360.3 (MANE Select); coding-DNA position 1084, C replaced by G.
Protein change: p.Arg362Gly; replaces arginine 362 with glycine.
Molecular consequence: missense variant.
Genome position (GRCh38, 1-based): chr11:71,435,719, G>C on the plus strand (C>G on the coding strand, the complement: DHCR7 is on the minus strand). VCF-style: chr11-71435719-G-C. GRCh37 (hg19) VCF-style: chr11-71146765-G-C.
Other names: c.1084C>G, p.Arg362Gly (NM_001163817.2); short protein forms R362G.
Identifiers: ClinVar variation 845176 (VCV000845176.9), dbSNP rs371302153, ClinGen allele CA381702106.

ClinVar aggregate classification (germline): Likely pathogenic (1 of 4 stars; one submission).

Conditions:
Smith-Lemli-Opitz syndrome (SLOS). Also called: POLYDACTYLY, SEX REVERSAL, RENAL HYPOPLASIA, AND UNILOBAR LUNG; RSH SYNDROME; RUTLEDGE LETHAL MULTIPLE CONGENITAL ANOMALY SYNDROME; LETHAL ACRODYSGENITAL SYNDROME; 7-Dehydrocholesterol reductase deficiency. Identifiers: Orphanet 818, MedGen C0175694, MONDO:0010035, OMIM 270400.

Submission:

Labcorp Genetics (formerly Invitae), Labcorp
Classification: Likely pathogenic for Smith-Lemli-Opitz syndrome. Last evaluated: 2022-01-06. Review status: criteria provided, single submitter. Criteria: Invitae Variant Classification Sherloc (09022015). Collection method: clinical testing. Allele origin: germline.
Comment: ClinVar contains an entry for this variant (Variation ID: 845176). Advanced modeling of protein sequence and biophysical properties (such as structural, functional, and spatial information, amino acid conservation, physicochemical variation, residue mobility, and thermodynamic stability) performed at Invitae indicates that this missense variant is expected to disrupt DHCR7 protein function. In summary, the currently available evidence indicates that the variant is pathogenic, but additional data are needed to prove that conclusively. Therefore, this variant has been classified as Likely Pathogenic. This sequence change replaces arginine, which is basic and polar, with glycine, which is neutral and non-polar, at codon 362 of the DHCR7 protein (p.Arg362Gly). This variant is not present in population databases (gnomAD no frequency). This missense change has been observed in individual(s) with clinical features of Smith-Lemli-Opitz syndrome (Invitae).